The following is an entry in ClinVar:

NM_000264.5(PTCH1):c.4147C>G (p.Pro1383Ala)

Gene: PTCH1 (patched 1; minus strand). Cytogenetic location: 9q22.32.
Variant type: single nucleotide variant.
Coding change: c.4147C>G on transcript NM_000264.5 (MANE Select); coding-DNA position 4147, C replaced by G.
Protein change: p.Pro1383Ala; replaces proline 1383 with alanine.
Molecular consequence: missense variant. On other transcripts: non-coding transcript variant (1).
Genome position (GRCh38, 1-based): chr9:95,447,109, G>C on the plus strand (C>G on the coding strand, the complement: PTCH1 is on the minus strand). VCF-style: chr9-95447109-G-C. GRCh37 (hg19) VCF-style: chr9-98209391-G-C.
Other names: c.3949C>G, p.Pro1317Ala (NM_001083602.3); c.4144C>G, p.Pro1382Ala (NM_001083603.3); c.3694C>G, p.Pro1232Ala (NM_001083604.3, NM_001083605.3, NM_001083606.3 and 1 more transcripts); c.3991C>G, p.Pro1331Ala (NM_001354918.2); short protein forms P1232A, P1317A, P1331A, P1382A, P1383A.
Identifiers: ClinVar variation 1692312 (VCV001692312.1), dbSNP rs2136575090, ClinGen allele CA374110228.

ClinVar aggregate classification (germline): Uncertain significance (1 of 4 stars; one submission).

Conditions:
Hereditary cancer-predisposing syndrome. Also called: Hereditary Cancer Syndrome; Hereditary neoplastic syndrome; Neoplastic Syndromes, Hereditary; Tumor predisposition. Identifiers: Orphanet 140162, MedGen C0027672, MeSH D009386, MONDO:0015356.

Submission:

Sema4
Classification: Uncertain significance for Hereditary cancer-predisposing syndrome. Last evaluated: 2021-11-25. Review status: criteria provided, single submitter. Criteria: Sema4 Curation Guidelines. Collection method: curation. Allele origin: germline.
Comment: The PTCH1 c.4147C>G (p.P1383A) variant has not been reported in the literature to our knowledge. It was not observed in the large and broad cohorts of the Genome Aggregation Database (PMID: 32461654). This variant has not been reported in ClinVar. Functional studies have not been performed, and in silico predictions of the variant's effect on protein function are inconclusive. The evidence is insufficient to meet ACMG/AMP criteria for classifying the variant as benign or pathogenic. Thus, the clinical significance of this variant is currently uncertain.